The following is an entry in ClinVar:

ClinVar aggregate classification (germline): Conflicting classifications of pathogenicity. Review status: criteria provided, conflicting classifications (1 of 4 stars). 3 submissions from 3 submitters: Pathogenic (1); Uncertain significance (1). 1 of the submissions does not count toward it. Last evaluated 2023-03-08.

Conditions:
PRPH2-related disorder. Also called: PRPH2-related disorders; PRPH2-related condition. Identifiers: MedGen CN239395.

Allele frequency attached by ClinVar (database versions not stated): gnomAD exomes below 0.00001.
gnomAD v4.1: 1 of 1,614,192 alleles (0.000062%); highest among the groups gnomAD compares: Non-Finnish European, 0.000085%; no homozygotes.

Submissions (3):

Blueprint Genetics
Classification: Uncertain significance. Last evaluated: 2023-03-08. Review status: criteria provided, single submitter. Criteria: ACMG Guidelines, 2015. Collection method: clinical testing. Allele origin: germline.

Labcorp Genetics (formerly Invitae), Labcorp
Classification: Pathogenic for PRPH2-related disorder. Last evaluated: 2022-07-23. Review status: criteria provided, single submitter. Criteria: Invitae Variant Classification Sherloc (09022015). Collection method: clinical testing. Allele origin: germline.
Comment: This sequence change replaces glycine, which is neutral and non-polar, with arginine, which is basic and polar, at codon 68 of the PRPH2 protein (p.Gly68Arg). This variant is present in population databases (rs61755774, gnomAD 0.0009%). This missense change has been observed in individuals with macular dystrophy and retinitis pigmentosa (PMID: 8994365, 9331261). It has also been observed to segregate with disease in related individuals. ClinVar contains an entry for this variant (Variation ID: 98657). Advanced modeling of protein sequence and biophysical properties (such as structural, functional, and spatial information, amino acid conservation, physicochemical variation, residue mobility, and thermodynamic stability) performed at Invitae indicates that this missense variant is expected to disrupt PRPH2 protein function. For these reasons, this variant has been classified as Pathogenic.

Retina International
No classification provided. Review status: no classification provided. Collection method: not provided. Allele origin: not provided. Not counted in ClinVar's aggregate classification.

Literature cited by the submitters: PubMed 8994365 (cited by Labcorp Genetics (formerly Invitae), Labcorp); PubMed 9331261 (cited by Labcorp Genetics (formerly Invitae), Labcorp).

NM_000322.5(PRPH2):c.202G>A (p.Gly68Arg)

Gene: PRPH2 (peripherin 2; minus strand). Cytogenetic location: 6p21.1.
Variant type: single nucleotide variant.
Coding change: c.202G>A on transcript NM_000322.5 (MANE Select); coding-DNA position 202, G replaced by A.
Protein change: p.Gly68Arg; replaces glycine 68 with arginine.
Molecular consequence: missense variant.
Genome position (GRCh38, 1-based): chr6:42,722,133, C>T on the plus strand (G>A on the coding strand, the complement: PRPH2 is on the minus strand). VCF-style: chr6-42722133-C-T. GRCh37 (hg19) VCF-style: chr6-42689871-C-T.
Other names: short protein forms G68R.
Identifiers: ClinVar variation 98657 (VCV000098657.9), dbSNP rs61755774, ClinGen allele CA226216.